The following is an entry in ClinVar:

NM_022841.7(RFX7):c.764G>C (p.Gly255Ala)

Gene: RFX7 (regulatory factor X7; minus strand). Cytogenetic location: 15q21.3.
Variant type: single nucleotide variant.
Coding change: c.764G>C on transcript NM_022841.7 (MANE Select); coding-DNA position 764, G replaced by C.
Protein change: p.Gly255Ala; replaces glycine 255 with alanine.
Molecular consequence: missense variant.
Genome position (GRCh38, 1-based): chr15:56,101,406, C>G on the plus strand (G>C on the coding strand, the complement: RFX7 is on the minus strand). VCF-style: chr15-56101406-C-G. GRCh37 (hg19) VCF-style: chr15-56393604-C-G.
Other names: c.473G>C, p.Gly158Ala (NM_001368073.2, NM_001368074.1, NM_001370554.1); c.764G>C, p.Gly255Ala (NM_001370561.1); short protein forms G158A, G255A.
Identifiers: ClinVar variation 4540084 (VCV004540084.1).

ClinVar aggregate classification (germline): Uncertain significance (1 of 4 stars; one submission).

Submission:

GeneDx
Classification: Uncertain significance. Last evaluated: 2025-06-23. Review status: criteria provided, single submitter. Criteria: GeneDx Variant Classification Process June 2021. Collection method: clinical testing. Allele origin: germline. Affected: yes.
Comment: Not observed at significant frequency in large population cohorts (gnomAD); In silico analysis suggests that this missense variant does not alter protein structure/function; Has not been previously published as pathogenic or benign to our knowledge